The following is an entry in ClinVar:

ClinVar aggregate classification (germline): Likely benign (1 of 4 stars; one submission).

Conditions:
TTC21B-related disorder. Also called: TTC21B-related condition; TTC21B-related disorders.

Submission:

PreventionGenetics, part of Exact Sciences
Classification: Likely benign for TTC21B-related condition. Last evaluated: 2025-10-20. Review status: criteria provided, single submitter. Criteria: ACMG Guidelines, 2015. Collection method: clinical testing. Allele origin: germline.
Comment: This variant is classified as likely benign based on ACMG/AMP sequence variant interpretation guidelines (Richards et al. 2015 PMID: 25741868, with internal and published modifications).

NM_024753.5(TTC21B):c.1422C>A (p.Leu474=)

Gene: TTC21B (tetratricopeptide repeat domain 21B; minus strand). Cytogenetic location: 2q24.3.
Variant type: single nucleotide variant.
Coding change: c.1422C>A on transcript NM_024753.5 (MANE Select); coding-DNA position 1422, C replaced by A.
Protein change: p.Leu474=; no amino-acid change (leucine 474 retained).
Molecular consequence: synonymous variant.
Genome position (GRCh38, 1-based): chr2:165,924,643, G>T on the plus strand (C>A on the coding strand, the complement: TTC21B is on the minus strand). VCF-style: chr2-165924643-G-T. GRCh37 (hg19) VCF-style: chr2-166781153-G-T.
Identifiers: ClinVar variation 4995839 (VCV004995839.1).